The following is an entry in ClinVar:

ClinVar aggregate classification (germline): Conflicting classifications of pathogenicity. Review status: criteria provided, conflicting classifications (1 of 4 stars). 2 submissions from 2 submitters: Uncertain significance (1); Likely benign (1). Last evaluated 2026-01-12.

Conditions:
Congenital contractural arachnodactyly (CCA). Also called: BEALS SYNDROME; Beals-Hecht syndrome; Arthrogryposis, distal, type 9. Identifiers: Orphanet 115, MedGen C0220668, MONDO:0007363, OMIM 121050.
Familial thoracic aortic aneurysm and aortic dissection (TAAD). Also called: Thoracic aortic aneurysms and dissections. Identifiers: Orphanet 91387, MedGen C4707243, MONDO:0019625.

Allele frequency attached by ClinVar (database versions not stated): gnomAD exomes 0.00001; ExAC 0.00002; gnomAD 0.00004; TOPMed 0.00005; ESP Exome Variant Server 0.00015.

Submissions (2):

Ambry Genetics
Classification: Uncertain significance for Familial thoracic aortic aneurysm and aortic dissection. Last evaluated: 2026-01-12. Review status: criteria provided, single submitter. Criteria: Ambry Variant Classification Scheme 2023. Collection method: clinical testing. Allele origin: germline.
Comment: The p.G399R variant (also known as c.1195G>A), located in coding exon 9 of the FBN2 gene, results from a G to A substitution at nucleotide position 1195. The glycine at codon 399 is replaced by arginine, an amino acid with dissimilar properties. This amino acid position is conserved. In addition, this alteration is predicted to be deleterious by in silico analysis. Based on the available evidence, the clinical significance of this variant remains unclear.

Labcorp Genetics (formerly Invitae), Labcorp
Classification: Likely benign for Congenital contractural arachnodactyly. Last evaluated: 2024-02-24. Review status: criteria provided, single submitter. Criteria: Invitae Variant Classification Sherloc (09022015). Collection method: clinical testing. Allele origin: germline.

NM_001999.4(FBN2):c.1195G>A (p.Gly399Arg)

Gene: FBN2 (fibrillin 2; minus strand). Cytogenetic location: 5q23.3.
Variant type: single nucleotide variant.
Coding change: c.1195G>A on transcript NM_001999.4 (MANE Select); coding-DNA position 1195, G replaced by A.
Protein change: p.Gly399Arg; replaces glycine 399 with arginine.
Molecular consequence: missense variant.
Genome position (GRCh38, 1-based): chr5:128,395,158, C>T on the plus strand (G>A on the coding strand, the complement: FBN2 is on the minus strand). VCF-style: chr5-128395158-C-T. GRCh37 (hg19) VCF-style: chr5-127730851-C-T.
Other names: c.1195G>A (NM_001999.3); short protein forms G399R.
Identifiers: ClinVar variation 1366643 (VCV001366643.7), dbSNP rs142228933, ClinGen allele CA3395862.